The following is an entry in ClinVar:

ClinVar aggregate classification (germline): Uncertain significance (1 of 4 stars; one submission).

Conditions:
Hyperlipoproteinemia, type I. Also called: HYPERLIPOPROTEINEMIA, TYPE IA; LPL DEFICIENCY; Lipase D deficiency; Familial Lipoprotein Lipase Deficiency; Familial hyperlipo-proteinemia type 1; Hyperlipemia essential familial. Identifiers: Orphanet 309015, Orphanet 444490, MedGen C0023817, MONDO:0009387, OMIM 238600. Disease mechanism: loss of function.

Submission:

3billion
Classification: Uncertain significance for Hyperlipoproteinemia, type I. Review status: criteria provided, single submitter. Criteria: ACMG Guidelines, 2015. Collection method: clinical testing. Allele origin: unknown. Affected: yes. Observed: 1 heterozygote.
Comment: The variant is not observed in the gnomAD v2.1.1 dataset. Intron variant. In silico tools predict the variant to alter splicing and produce an abnormal transcript (SpliceAI: 0.96). However, the evidence of pathogenicity is insufficient at this time. Therefore, this variant is classified as Uncertain significance according to the recommendation of ACMG/AMP guideline.

NM_000237.3(LPL):c.88+3A>C

Gene: LPL (lipoprotein lipase; plus strand). Cytogenetic location: 8p21.3.
Variant type: single nucleotide variant.
Coding change: c.88+3A>C on transcript NM_000237.3 (MANE Select); 3 bases into the intron after coding-DNA position 88, A replaced by C.
Molecular consequence: intron variant.
Genome position (GRCh38, 1-based): chr8:19,939,531, A>C. VCF-style: chr8-19939531-A-C. GRCh37 (hg19) VCF-style: chr8-19797042-A-C.
Identifiers: ClinVar variation 2572510 (VCV002572510.1), dbSNP rs1317531367, ClinGen allele CA2580614311.